The following is an entry in ClinVar:

NM_020719.3(PRR12):c.4112A>T (p.Lys1371Met)

Gene: PRR12 (proline rich 12; plus strand). Cytogenetic location: 19q13.33.
Variant type: single nucleotide variant.
Coding change: c.4112A>T on transcript NM_020719.3 (MANE Select); coding-DNA position 4112, A replaced by T.
Protein change: p.Lys1371Met; replaces lysine 1371 with methionine.
Molecular consequence: missense variant.
Genome position (GRCh38, 1-based): chr19:49,599,705, A>T. VCF-style: chr19-49599705-A-T. GRCh37 (hg19) VCF-style: chr19-50102962-A-T.
Other names: short protein forms K1371M.
Identifiers: ClinVar variation 3252283 (VCV003252283.1), dbSNP rs2514277925.

ClinVar aggregate classification (germline): Uncertain significance (1 of 4 stars; one submission).

Submission:

GeneDx
Classification: Uncertain significance. Last evaluated: 2023-12-04. Review status: criteria provided, single submitter. Criteria: GeneDx Variant Classification Process June 2021. Collection method: clinical testing. Allele origin: germline. Affected: yes.
Comment: Not observed at significant frequency in large population cohorts (gnomAD); In silico analysis supports that this missense variant has a deleterious effect on protein structure/function; Has not been previously published as pathogenic or benign to our knowledge